The following is an entry in ClinVar:

ClinVar aggregate classification (germline): Uncertain significance. Review status: criteria provided, multiple submitters, no conflicts (2 of 4 stars). 3 submissions from 3 submitters: Uncertain significance (3). Last evaluated 2025-09-27.

Conditions:
Inborn genetic diseases. Identifiers: MedGen C0950123, MeSH D030342.
Pierson syndrome. Also called: MICROCORIA-CONGENITAL NEPHROTIC SYNDROME. Identifiers: Orphanet 2670, MedGen C1836876, MONDO:0012184, OMIM 609049.
LAMB2-related infantile-onset nephrotic syndrome. Also called: Nephrotic Syndrome, type 5; NEPHROTIC SYNDROME, TYPE 5, WITHOUT OCULAR ABNORMALITIES; NEPHROTIC SYNDROME, TYPE 5, WITH OCULAR ABNORMALITIES. Identifiers: Orphanet 306507, MedGen C3280113, MONDO:0013621, OMIM 614199.

Allele frequency attached by ClinVar (database versions not stated): ExAC 0.00001; gnomAD 0.00001; gnomAD exomes 0.00002; TOPMed 0.00002.
gnomAD v4.1: 12 of 1,614,130 alleles (0.00074%); highest among the groups gnomAD compares: Admixed American, 0.02%; no homozygotes.

Submissions (3):

Ambry Genetics
Classification: Uncertain significance for Inborn genetic diseases. Last evaluated: 2025-09-27. Review status: criteria provided, single submitter. Criteria: Ambry Variant Classification Scheme 2023. Collection method: clinical testing. Allele origin: germline.

GeneDx
Classification: Uncertain significance. Last evaluated: 2025-01-03. Review status: criteria provided, single submitter. Criteria: GeneDx Variant Classification Process June 2021. Collection method: clinical testing. Allele origin: germline. Affected: yes.
Comment: In silico analysis indicates that this missense variant does not alter protein structure/function; Has not been previously published as pathogenic or benign to our knowledge

Labcorp Genetics (formerly Invitae), Labcorp
Classification: Uncertain significance for LAMB2-related infantile-onset nephrotic syndrome; Pierson syndrome. Last evaluated: 2022-07-25. Review status: criteria provided, single submitter. Criteria: Invitae Variant Classification Sherloc (09022015). Collection method: clinical testing. Allele origin: germline.
Comment: In summary, the available evidence is currently insufficient to determine the role of this variant in disease. Therefore, it has been classified as a Variant of Uncertain Significance. Algorithms developed to predict the effect of missense changes on protein structure and function (SIFT, PolyPhen-2, Align-GVGD) all suggest that this variant is likely to be tolerated. This variant has not been reported in the literature in individuals affected with LAMB2-related conditions. This variant is present in population databases (rs763320182, gnomAD 0.02%). This sequence change replaces aspartic acid, which is acidic and polar, with glycine, which is neutral and non-polar, at codon 101 of the LAMB2 protein (p.Asp101Gly).

NM_002292.4(LAMB2):c.302A>G (p.Asp101Gly)

Gene: LAMB2 (laminin subunit beta 2; minus strand). Cytogenetic location: 3p21.31.
Variant type: single nucleotide variant.
Coding change: c.302A>G on transcript NM_002292.4 (MANE Select); coding-DNA position 302, A replaced by G.
Protein change: p.Asp101Gly; replaces aspartic acid 101 with glycine.
Molecular consequence: missense variant.
Genome position (GRCh38, 1-based): chr3:49,132,353, T>C on the plus strand (A>G on the coding strand, the complement: LAMB2 is on the minus strand). VCF-style: chr3-49132353-T-C. GRCh37 (hg19) VCF-style: chr3-49169786-T-C.
Other names: c.302A>G (NM_002292.3); short protein forms D101G.
Identifiers: ClinVar variation 2110899 (VCV002110899.4), dbSNP rs763320182, ClinGen allele CA2394967.